The following is an entry in ClinVar:

ClinVar aggregate classification (germline): Benign (0 of 4 stars; one submission).

Conditions:
SARDH-related disorder. Also called: SARDH-related condition.

Allele frequency attached by ClinVar (database versions not stated): ESP Exome Variant Server 0.52083; TOPMed 0.55907; 1000 Genomes Project 0.62839; 1000 Genomes Project 30x 0.62914.
gnomAD v4.1: 780,799 of 1,583,356 alleles (49%); highest among the groups gnomAD compares: East Asian, 82%; 197,591 homozygotes.

Submission:

PreventionGenetics, part of Exact Sciences
Classification: Benign for SARDH-related condition. Last evaluated: 2019-10-17. Review status: no assertion criteria provided. Collection method: clinical testing. Allele origin: germline.
Comment: This variant is classified as benign based on ACMG/AMP sequence variant interpretation guidelines (Richards et al. 2015 PMID: 25741868, with internal and published modifications).

NM_001134707.2(SARDH):c.2190G>C (p.Val730=)

Gene: SARDH (sarcosine dehydrogenase; minus strand). Cytogenetic location: 9q34.2.
Variant type: single nucleotide variant.
Coding change: c.2190G>C on transcript NM_001134707.2 (MANE Select); coding-DNA position 2190, G replaced by C.
Protein change: p.Val730=; no amino-acid change (valine 730 retained).
Molecular consequence: synonymous variant.
Genome position (GRCh38, 1-based): chr9:133,671,671, C>G on the plus strand (G>C on the coding strand, the complement: SARDH is on the minus strand). VCF-style: chr9-133671671-C-G. GRCh37 (hg19) VCF-style: chr9-136536793-C-G.
Other names: c.2190G>C, p.Val730= (NM_007101.4).
Identifiers: ClinVar variation 3060754 (VCV003060754.2), dbSNP rs2519123, ClinGen allele CA5314001.